The following is an entry in ClinVar:

NM_006231.4(POLE):c.1106+5G>T

Gene: POLE (DNA polymerase epsilon, catalytic subunit; minus strand). Cytogenetic location: 12q24.33.
Variant type: single nucleotide variant.
Coding change: c.1106+5G>T on transcript NM_006231.4 (MANE Select); 5 bases into the intron after coding-DNA position 1106, G replaced by T.
Molecular consequence: intron variant.
Genome position (GRCh38, 1-based): chr12:132,675,730, C>A on the plus strand (G>T on the coding strand, the complement: POLE is on the minus strand). VCF-style: chr12-132675730-C-A. GRCh37 (hg19) VCF-style: chr12-133252316-C-A.
Identifiers: ClinVar variation 4294046 (VCV004294046.1).

ClinVar aggregate classification (germline): Uncertain significance (1 of 4 stars; one submission).

Conditions:
Intrauterine growth retardation, metaphyseal dysplasia, adrenal hypoplasia congenita, genital anomalies, and immunodeficiency. Also called: IMAGEI SYNDROME. Identifiers: MedGen C5193036, MONDO:0032684, OMIM 618336.

Submission:

3billion
Classification: Uncertain significance for Intrauterine growth retardation, metaphyseal dysplasia, adrenal hypoplasia congenita, genital anomalies, and immunodeficiency. Last evaluated: 2024-11-07. Review status: criteria provided, single submitter. Criteria: ACMG Guidelines, 2015. Collection method: clinical testing. Allele origin: germline. Affected: yes.
Comment: The variant is not observed in the gnomAD v4.1.0 dataset. Predicted Consequence/Location: Intron variant In silico tools predict the variant to alter splicing and produce an abnormal transcript [SpliceAI: 0.76 (>=0.2, moderate evidence for spliceogenicity)]. Therefore, this variant is classified as VUS according to the recommendation of ACMG/AMP guideline.